The following is an entry in ClinVar:

NM_002103.5(GYS1):c.1423-3C>T

Gene: GYS1 (glycogen synthase 1; minus strand). Cytogenetic location: 19q13.33.
Variant type: single nucleotide variant.
Coding change: c.1423-3C>T on transcript NM_002103.5 (MANE Select); 3 bases into the intron before coding-DNA position 1423, C replaced by T.
Molecular consequence: intron variant.
Genome position (GRCh38, 1-based): chr19:48,974,342, G>A on the plus strand (C>T on the coding strand, the complement: GYS1 is on the minus strand). VCF-style: chr19-48974342-G-A. GRCh37 (hg19) VCF-style: chr19-49477599-G-A.
Other names: c.1231-3C>T (NM_001161587.2).
Identifiers: ClinVar variation 2003962 (VCV002003962.4), dbSNP rs772231727, ClinGen allele CA9562941.

ClinVar aggregate classification (germline): Uncertain significance (1 of 4 stars; one submission).

Conditions:
Glycogen storage disease due to muscle and heart glycogen synthase deficiency. Also called: MUSCLE GLYCOGEN SYNTHASE DEFICIENCY; GSD 0b. Identifiers: Orphanet 137625, MedGen C1969054, MONDO:0012693, OMIM 611556.

Allele frequency attached by ClinVar (database versions not stated): gnomAD exomes 0.00001; ExAC 0.00004.
gnomAD v4.1: 10 of 1,613,882 alleles (0.00062%); highest among the groups gnomAD compares: Non-Finnish European, 0.00085%; no homozygotes.

Submission:

Labcorp Genetics (formerly Invitae), Labcorp
Classification: Uncertain significance for Glycogen storage disease due to muscle and heart glycogen synthase deficiency. Last evaluated: 2022-06-09. Review status: criteria provided, single submitter. Criteria: Invitae Variant Classification Sherloc (09022015). Collection method: clinical testing. Allele origin: germline.
Comment: In summary, the available evidence is currently insufficient to determine the role of this variant in disease. Therefore, it has been classified as a Variant of Uncertain Significance. Variants that disrupt the consensus splice site are a relatively common cause of aberrant splicing (PMID: 17576681, 9536098). Algorithms developed to predict the effect of sequence changes on RNA splicing suggest that this variant is not likely to affect RNA splicing. This variant has not been reported in the literature in individuals affected with GYS1-related conditions. This variant is present in population databases (rs772231727, gnomAD 0.004%). This sequence change falls in intron 11 of the GYS1 gene. It does not directly change the encoded amino acid sequence of the GYS1 protein. It affects a nucleotide within the consensus splice site.

Literature cited by the submitters: PubMed 17576681; PubMed 9536098.